The following is an entry in ClinVar:

ClinVar aggregate classification (germline): Likely pathogenic (1 of 4 stars; one submission).

Conditions:
Roberts-SC phocomelia syndrome (RBS). Also called: Pseudothalidomide syndrome; Appelt-Gerken-Lenz syndrome; Hypomelia hypotrichosis facial hemangioma syndrome; LONG BONE DEFICIENCIES ASSOCIATED WITH CLEFT LIP-PALATE; ESCO2 Spectrum Disorder. Identifiers: Orphanet 3103, MedGen C0392475, MONDO:0100253, OMIM 268300.

Submission:

Natera, Inc.
Classification: Likely pathogenic for Roberts syndrome. Last evaluated: 2024-05-01. Review status: criteria provided, single submitter. Criteria: Natera Variant Classification Schema (03/2026). Collection method: clinical testing. Allele origin: germline.
Comment: The c.1112delC variant in ESCO2 is a frameshift variant predicted to shift the reading frame beginning at codon 371 and leads to a stop codon 24 codons downstream. This variant is expected to result in nonsense mediated decay, truncation, or a dysfunctional protein product. This variant is rare in the general population with a frequency below the threshold expected for the associated phenotype(s). Given the available evidence, this variant is classified as Likely Pathogenic.

NM_001017420.3(ESCO2):c.1112del (p.Thr371fs)

Gene: ESCO2 (establishment of sister chromatid cohesion N-acetyltransferase 2; plus strand). Cytogenetic location: 8p21.1.
Variant type: Deletion.
Coding change: c.1112del on transcript NM_001017420.3 (MANE Select); coding-DNA position 1112, one base deleted (C; older notation c.1112delC).
Protein change: p.Thr371fs; shifts the reading frame from threonine 371.
Molecular consequence: frameshift variant.
Genome position (GRCh38, 1-based): chr8:27,787,983, C deleted. VCF-style (leftmost placement, unchanged base first): chr8-27787982-AC-A. GRCh37 (hg19) VCF-style: chr8-27645499-AC-A.
Other names: short protein forms T371fs.
Identifiers: ClinVar variation 4814524 (VCV004814524.1).
Genomic context (GRCh38, chr8:27,787,982, plus strand): 5'-AACTTCATGAAACAGACCAATATCCAGAAAAATACTAATACCAGAGATACAAGTAAAAAA[AC>A]AAAAGACCAGCTCATCATCGTGAGTAAATTCCAAACAAAGCTTCTCCTATCTAGCCCTTT-3'